The following is an entry in ClinVar:

NM_017617.5(NOTCH1):c.688G>A (p.Gly230Arg)

Gene: NOTCH1 (notch receptor 1; minus strand). Cytogenetic location: 9q34.3.
Variant type: single nucleotide variant.
Coding change: c.688G>A on transcript NM_017617.5 (MANE Select); coding-DNA position 688, G replaced by A.
Protein change: p.Gly230Arg; replaces glycine 230 with arginine.
Molecular consequence: missense variant.
Genome position (GRCh38, 1-based): chr9:136,522,904, C>T on the plus strand (G>A on the coding strand, the complement: NOTCH1 is on the minus strand). VCF-style: chr9-136522904-C-T. GRCh37 (hg19) VCF-style: chr9-139417356-C-T.
Other names: short protein forms G230R.
Identifiers: ClinVar variation 1311675 (VCV001311675.5), dbSNP rs1027492078, ClinGen allele CA201589870.

ClinVar aggregate classification (germline): Conflicting classifications of pathogenicity. Review status: criteria provided, conflicting classifications (1 of 4 stars). 2 submissions from 2 submitters: Uncertain significance (1); Likely benign (1). Last evaluated 2025-01-07.

Conditions:
Adams-Oliver syndrome 5 (AOS5). Identifiers: Orphanet 974, MedGen C4014970, MONDO:0014459, OMIM 616028.

Allele frequency attached by ClinVar (database versions not stated): gnomAD 0.00001; gnomAD exomes 0.00001; TOPMed 0.00002.

Submissions (2):

Labcorp Genetics (formerly Invitae), Labcorp
Classification: Likely benign for Adams-Oliver syndrome 5. Last evaluated: 2025-01-07. Review status: criteria provided, single submitter. Criteria: Invitae Variant Classification Sherloc (09022015). Collection method: clinical testing. Allele origin: germline.

GeneDx
Classification: Uncertain significance. Last evaluated: 2023-06-12. Review status: criteria provided, single submitter. Criteria: GeneDx Variant Classification Process June 2021. Collection method: clinical testing. Allele origin: germline. Affected: yes.
Comment: Has not been previously published as pathogenic or benign to our knowledge; Not observed at significant frequency in large population cohorts (gnomAD); In silico analysis supports that this missense variant has a deleterious effect on protein structure/function